The following is an entry in ClinVar:

ClinVar aggregate classification (germline): Uncertain significance (1 of 4 stars; one submission).

Allele frequency attached by ClinVar (database versions not stated): gnomAD exomes 0.00001; TOPMed 0.00001; gnomAD 0.00003.
gnomAD v4.1: 22 of 1,614,064 alleles (0.0014%); highest among the groups gnomAD compares: Non-Finnish European, 0.0019%; no homozygotes.

Submission:

Labcorp Genetics (formerly Invitae), Labcorp
Classification: Uncertain significance. Last evaluated: 2022-11-08. Review status: criteria provided, single submitter. Criteria: Invitae Variant Classification Sherloc (09022015). Collection method: clinical testing. Allele origin: germline.
Comment: Algorithms developed to predict the effect of missense changes on protein structure and function output the following: SIFT: "Tolerated"; PolyPhen-2: "Benign"; Align-GVGD: "Class C0". The glycine amino acid residue is found in multiple mammalian species, which suggests that this missense change does not adversely affect protein function. In summary, the available evidence is currently insufficient to determine the role of this variant in disease. Therefore, it has been classified as a Variant of Uncertain Significance. This variant has not been reported in the literature in individuals affected with KIAA0556-related conditions. This variant is present in population databases (no rsID available, gnomAD 0.007%). This sequence change replaces glutamic acid, which is acidic and polar, with glycine, which is neutral and non-polar, at codon 631 of the KIAA0556 protein (p.Glu631Gly).

NM_015202.5(KATNIP):c.1892A>G (p.Glu631Gly)

Gene: KATNIP (katanin interacting protein; plus strand). Cytogenetic location: 16p12.1.
Variant type: single nucleotide variant.
Coding change: c.1892A>G on transcript NM_015202.5 (MANE Select); coding-DNA position 1892, A replaced by G.
Protein change: p.Glu631Gly; replaces glutamic acid 631 with glycine.
Molecular consequence: missense variant.
Genome position (GRCh38, 1-based): chr16:27,740,189, A>G. VCF-style: chr16-27740189-A-G. GRCh37 (hg19) VCF-style: chr16-27751510-A-G.
Other names: short protein forms E631G.
Identifiers: ClinVar variation 1939572 (VCV001939572.5), dbSNP rs1400351967, ClinGen allele CA395319931.